The following is an entry in ClinVar:

NM_021222.3(PRUNE1):c.637G>A (p.Asp213Asn)

Gene: PRUNE1 (prune exopolyphosphatase 1; plus strand). Cytogenetic location: 1q21.3.
Variant type: single nucleotide variant.
Coding change: c.637G>A on transcript NM_021222.3 (MANE Select); coding-DNA position 637, G replaced by A.
Protein change: p.Asp213Asn; replaces aspartic acid 213 with asparagine.
Molecular consequence: missense variant. On other transcripts: non-coding transcript variant (2), intron variant (1).
Genome position (GRCh38, 1-based): chr1:151,025,631, G>A. VCF-style: chr1-151025631-G-A. GRCh37 (hg19) VCF-style: chr1-150998107-G-A.
Other names: c.637G>A, p.Asp213Asn (NM_001303242.2); c.77-1602G>A (NM_001303243.2); c.91G>A, p.Asp31Asn (NM_001303229.2); short protein forms D213N, D31N.
Identifiers: ClinVar variation 2099571 (VCV002099571.4), dbSNP rs753571671, ClinGen allele CA1083835.

ClinVar aggregate classification (germline): Uncertain significance (1 of 4 stars; one submission).

Allele frequency attached by ClinVar (database versions not stated): gnomAD exomes below 0.00001; ExAC 0.00001.
gnomAD v4.1: 2 of 1,613,844 alleles (0.00012%); highest among the groups gnomAD compares: South Asian, 0.0011%; no homozygotes.

Submission:

Labcorp Genetics (formerly Invitae), Labcorp
Classification: Uncertain significance. Last evaluated: 2022-02-19. Review status: criteria provided, single submitter. Criteria: Invitae Variant Classification Sherloc (09022015). Collection method: clinical testing. Allele origin: germline.
Comment: This sequence change replaces aspartic acid, which is acidic and polar, with asparagine, which is neutral and polar, at codon 213 of the PRUNE1 protein (p.Asp213Asn). In summary, the available evidence is currently insufficient to determine the role of this variant in disease. Therefore, it has been classified as a Variant of Uncertain Significance. Algorithms developed to predict the effect of missense changes on protein structure and function output the following: SIFT: "Tolerated"; PolyPhen-2: "Benign"; Align-GVGD: "Class C0". The asparagine amino acid residue is found in multiple mammalian species, which suggests that this missense change does not adversely affect protein function. This variant has not been reported in the literature in individuals affected with PRUNE1-related conditions. This variant is present in population databases (rs753571671, gnomAD 0.003%).